The following is an entry in ClinVar:

ClinVar aggregate classification (germline): Uncertain significance (1 of 4 stars; one submission).

Submission:

Labcorp Genetics (formerly Invitae), Labcorp
Classification: Uncertain significance. Last evaluated: 2022-03-14. Review status: criteria provided, single submitter. Criteria: Invitae Variant Classification Sherloc (09022015). Collection method: clinical testing. Allele origin: germline.
Comment: This sequence change replaces asparagine, which is neutral and polar, with tyrosine, which is neutral and polar, at codon 880 of the USH2A protein (p.Asn880Tyr). This variant is not present in population databases (gnomAD no frequency). This variant has not been reported in the literature in individuals affected with USH2A-related conditions. Algorithms developed to predict the effect of missense changes on protein structure and function are either unavailable or do not agree on the potential impact of this missense change (SIFT: "Deleterious"; PolyPhen-2: "Probably Damaging"; Align-GVGD: "Class C15"). In summary, the available evidence is currently insufficient to determine the role of this variant in disease. Therefore, it has been classified as a Variant of Uncertain Significance.

NM_206933.4(USH2A):c.2638A>T (p.Asn880Tyr)

Genes: USH2A (usherin; minus strand), LOC122152296 (Sharpr-MPRA regulatory region 8762; plus strand). Cytogenetic location: 1q41.
Variant type: single nucleotide variant.
Coding change: c.2638A>T on transcript NM_206933.4 (MANE Select); coding-DNA position 2638, A replaced by T.
Protein change: p.Asn880Tyr; replaces asparagine 880 with tyrosine.
Molecular consequence: missense variant.
Genome position (GRCh38, 1-based): chr1:216,246,756, T>A on the plus strand (A>T on the coding strand, the complement: USH2A is on the minus strand). VCF-style: chr1-216246756-T-A. GRCh37 (hg19) VCF-style: chr1-216420098-T-A.
Other names: c.2638A>T, p.Asn880Tyr (NM_007123.6); short protein forms N880Y.
Identifiers: ClinVar variation 2097074 (VCV002097074.1), dbSNP rs2528161779, ClinGen allele CA344864370.